The following is an entry in ClinVar:

ClinVar aggregate classification (germline): Conflicting classifications of pathogenicity. Review status: criteria provided, conflicting classifications (1 of 4 stars). 2 submissions from 2 submitters: Likely pathogenic (1); Uncertain significance (1). Last evaluated 2026-04-20.

Conditions:
Hereditary spastic paraplegia 35. Also called: LEUKODYSTROPHY, DYSMYELINATING, AND SPASTIC PARAPARESIS WITH OR WITHOUT DYSTONIA; Spastic paraplegia 35, autosomal recessive; Spastic paraplegia 35; SPASTIC PARAPLEGIA 35, AUTOSOMAL RECESSIVE, WITH OR WITHOUT NEURODEGENERATION. Identifiers: Orphanet 171629, MedGen C3496228, MONDO:0012866, OMIM 612319.

Submissions (2):

Centre for Medical Genetics,  Mumbai
Classification: Likely pathogenic for Hereditary spastic paraplegia 35. Last evaluated: 2026-04-20. Review status: criteria provided, single submitter. Criteria: ACMG Guidelines, 2015. Collection method: provider interpretation. Allele origin: germline. Inheritance: Autosomal recessive inheritance. Affected: yes. Observed: 1 variant allele, 1 homozygote.
Comment: The variant satisfies PM2 criteria - extremely low frequency in gnomAD population databases. The variant satisfies PP3 criteria - for a missense or a splicing region variant, computational prediction tools unanimously support a deleterious effect on the gene. Hence, the variant should be considered as likely pathogenic for Spastic paraplegia 35, autosomal recessive

Foundation for Research in Genetics and Endocrinology, FRIGE's Institute of Human Genetics
Classification: Uncertain significance for Hereditary spastic paraplegia 35. Last evaluated: 2024-04-12. Review status: criteria provided, single submitter. Criteria: ACMG Guidelines, 2015. Collection method: clinical testing. Allele origin: germline. Inheritance: Autosomal recessive inheritance. Affected: yes. Observed: 1 heterozygote.
Comment: A likely compound heterozygous missense variant in exon 6 of the FA2H gene that results in the amino acid substitution of Leucine for Phenylalanine at codon 341 (p.Phe341Leu) was detected. The variant has not been reported in the 1000 genomes, gnomAD (v3.1), gnomdAD (v2.1) and topmed databases. The in silico predictions of the variant are damaging by PolyPhen-2 (HumDiv), SIFT, LRT and MutationTaster2. The reference codon is conserved across species. In summary, the variant meets our criteria to be classified as variant of uncertain significance.

Literature cited by the submitters: PubMed 19068277 (cited by Centre for Medical Genetics,  Mumbai).

NM_024306.5(FA2H):c.1023T>A (p.Phe341Leu)

Gene: FA2H (fatty acid 2-hydroxylase; minus strand). Cytogenetic location: 16q23.1.
Variant type: single nucleotide variant.
Coding change: c.1023T>A on transcript NM_024306.5 (MANE Select); coding-DNA position 1023, T replaced by A.
Protein change: p.Phe341Leu; replaces phenylalanine 341 with leucine.
Molecular consequence: missense variant.
Genome position (GRCh38, 1-based): chr16:74,716,363, A>T on the plus strand (T>A on the coding strand, the complement: FA2H is on the minus strand). VCF-style: chr16-74716363-A-T. GRCh37 (hg19) VCF-style: chr16-74750261-A-T.
Other names: p. Phe341Leu; short protein forms F341L.
Identifiers: ClinVar variation 3069165 (VCV003069165.3), dbSNP rs2544311876, ClinGen allele CA396768846.